The following is an entry in ClinVar:

NM_000117.3(EMD):c.762C>G (p.Phe254Leu)

Gene: EMD (emerin; plus strand). Cytogenetic location: Xq28.
Variant type: single nucleotide variant.
Coding change: c.762C>G on transcript NM_000117.3 (MANE Select); coding-DNA position 762, C replaced by G.
Protein change: p.Phe254Leu; replaces phenylalanine 254 with leucine.
Molecular consequence: missense variant.
Genome position (GRCh38, 1-based): chrX:154,381,194, C>G. VCF-style: chrX-154381194-C-G. GRCh37 (hg19) VCF-style: chrX-153609554-C-G.
Other names: short protein forms F254L.
Identifiers: ClinVar variation 2825480 (VCV002825480.3), dbSNP rs1603366051, ClinGen allele CA415259557.
Genomic context (GRCh38, chrX:154,381,194, plus strand): 5'-CTTTGTGATCGTCCTCTTCTTCATTTACCACTTCATGCAGGCTGAAGAAGGCAACCCCTT[C>G]TAGAGGGAGCCATGAGGGTCTGGGCTTCAGAGCTAGGTCTTTGGGGAAGTCCTGGCTGAC-3'
Protein context (NP_000108.1, residues 244-254): HFMQAEEGNP[Phe254Leu]

ClinVar aggregate classification (germline): Uncertain significance (1 of 4 stars; one submission).

Conditions:
X-linked Emery-Dreifuss muscular dystrophy. Also called: Muscular dystrophy, tardive Emery-Dreifuss type, with contractures. Identifiers: Orphanet 261, Orphanet 98863, MedGen C0751337, MONDO:0010680.

Submission:

Labcorp Genetics (formerly Invitae), Labcorp
Classification: Uncertain significance for X-linked Emery-Dreifuss muscular dystrophy. Last evaluated: 2023-02-21. Review status: criteria provided, single submitter. Criteria: Invitae Variant Classification Sherloc (09022015). Collection method: clinical testing. Allele origin: germline.
Comment: In summary, the available evidence is currently insufficient to determine the role of this variant in disease. Therefore, it has been classified as a Variant of Uncertain Significance. An algorithm developed to predict the effect of missense changes on protein structure and function (PolyPhen-2) suggests that this variant is likely to be disruptive. This variant has not been reported in the literature in individuals affected with EMD-related conditions. This variant is not present in population databases (gnomAD no frequency). This sequence change replaces phenylalanine, which is neutral and non-polar, with leucine, which is neutral and non-polar, at codon 254 of the EMD protein (p.Phe254Leu).